The following is an entry in ClinVar:

ClinVar aggregate classification (germline): Conflicting classifications of pathogenicity. Review status: criteria provided, conflicting classifications (1 of 4 stars). 4 submissions from 2 submitters: Uncertain significance (1); Likely benign (3). Last evaluated 2024-06-02.

Conditions:
Liddle syndrome 1 (LIDLS1). Also called: PSEUDOALDOSTERONISM. Identifiers: Orphanet 526, MedGen CN031472, MONDO:0020607, OMIM 177200.
Pseudohypoaldosteronism, type IB1, autosomal recessive. Also called: Pseudohypoaldosteronism, Type I, Autosomal Recessive; PHA I, AUTOSOMAL RECESSIVE; Pseudohypoaldosteronism, Type I, Recessive; Autosomal recessive pseudohypoaldosteronism type 1. Identifiers: Orphanet 171876, Orphanet 756, MedGen C5774176, MONDO:0009917, OMIM 264350.
Bronchiectasis with or without elevated sweat chloride 1 (BESC1). Also called: Cystic Fibrosis-Like Syndrome. Identifiers: Orphanet 60033, MedGen C2749757, MONDO:0008887, OMIM 211400.

Allele frequency attached by ClinVar (database versions not stated): ESP Exome Variant Server 0.00008.
gnomAD v4.1: 21 of 1,564,138 alleles (0.0013%); highest among the groups gnomAD compares: Non-Finnish European, 0.0017%; no homozygotes.

Submissions (4):

Labcorp Genetics (formerly Invitae), Labcorp
Classification: Likely benign. Last evaluated: 2024-06-02. Review status: criteria provided, single submitter. Criteria: Invitae Variant Classification Sherloc (09022015). Collection method: clinical testing. Allele origin: germline.

Illumina Laboratory Services, Illumina
Classification: Likely benign for Bronchiectasis with or without elevated sweat chloride 1. Last evaluated: 2018-01-13. Review status: criteria provided, single submitter. Criteria: ICSL Variant Classification Criteria 13 December 2019. Collection method: clinical testing. Allele origin: germline.
Comment: This variant was observed in the ICSL laboratory as part of a predisposition screen in an ostensibly healthy population. It had not been previously curated by ICSL or reported in the Human Gene Mutation Database (HGMD: prior to June 1st, 2018), and was therefore a candidate for classification through an automated scoring system. Utilizing variant allele frequency, disease prevalence and penetrance estimates, and inheritance mode, an automated score was calculated to assess if this variant is too frequent to cause the disease. Based on the score and internal cut-off values, a variant classified as likely benign is not then subjected to further curation. The score for this variant resulted in a classification of likely benign for this disease.

Illumina Laboratory Services, Illumina
Classification: Uncertain significance for Pseudohypoaldosteronism, type IB1, autosomal recessive. Last evaluated: 2018-01-13. Review status: criteria provided, single submitter. Criteria: ICSL Variant Classification Criteria 13 December 2019. Collection method: clinical testing. Allele origin: germline.

Illumina Laboratory Services, Illumina
Classification: Likely benign for Liddle syndrome 1. Last evaluated: 2018-01-13. Review status: criteria provided, single submitter. Criteria: ICSL Variant Classification Criteria 13 December 2019. Collection method: clinical testing. Allele origin: germline.
Comment: the same text as in the submission from Illumina Laboratory Services, Illumina above.

NM_000336.3(SCNN1B):c.1270+11G>T

Gene: SCNN1B (sodium channel epithelial 1 subunit beta; plus strand). Cytogenetic location: 16p12.2.
Variant type: single nucleotide variant.
Coding change: c.1270+11G>T on transcript NM_000336.3 (MANE Select); 11 bases into the intron after coding-DNA position 1270, G replaced by T.
Molecular consequence: intron variant.
Genome position (GRCh38, 1-based): chr16:23,375,866, G>T. VCF-style: chr16-23375866-G-T. GRCh37 (hg19) VCF-style: chr16-23387187-G-T.
Identifiers: ClinVar variation 318434 (VCV000318434.7), dbSNP rs369905217, ClinGen allele CA7960416.